The following is an entry in ClinVar:

ClinVar aggregate classification (germline): Pathogenic/Likely pathogenic. Review status: criteria provided, multiple submitters, no conflicts (2 of 4 stars). 4 submissions from 4 submitters: Pathogenic (3); Likely pathogenic (1). Last evaluated 2025-03-03.

Conditions:
Emery-Dreifuss muscular dystrophy 4, autosomal dominant (EDMD4). Also called: EMERY-DREIFUSS MUSCULAR DYSTROPHY 4 WITH VARIABLE FEATURES. Identifiers: Orphanet 261, MedGen C2751807, MONDO:0013071, OMIM 612998.
Autosomal recessive ataxia, Beauce type. Also called: Spinocerebellar ataxia, autosomal recessive 8; ATAXIA, RECESSIVE, OF BEAUCE; SYNE1-Related Autosomal Recessive Cerebellar Ataxia; SYNE1 Deficiency. Identifiers: Orphanet 88644, MedGen C1853116, MONDO:0012549, OMIM 610743.

Submissions (4):

Dasa
Classification: Pathogenic. Last evaluated: 2025-03-03. Review status: criteria provided, single submitter. Criteria: DASA Assertion Criteria. Collection method: clinical testing. Allele origin: germline.
Comment: NM_182961.4(SYNE1):c.4372_4373del (p.Leu1458Valfs*6) is a frameshift variant in SYNE1 predicted to alter the reading frame and introduce a premature termination codon and is predicted to result in an absent or altered protein product. Loss of function is an established disease mechanism for SYNE1-associated disorders. This variant has been reported in individuals with SYNE1-related disorders. Also, this variant is rare in population databases. Based on the currently available evidence, this variant is classified as pathogenic.

Labcorp Genetics (formerly Invitae), Labcorp
Classification: Pathogenic for Emery-Dreifuss muscular dystrophy 4, autosomal dominant; Autosomal recessive ataxia, Beauce type. Last evaluated: 2024-12-02. Review status: criteria provided, single submitter. Criteria: Invitae Variant Classification Sherloc (09022015). Collection method: clinical testing. Allele origin: germline.
Comment: This sequence change creates a premature translational stop signal (p.Leu1465Valfs*6) in the SYNE1 gene. It is expected to result in an absent or disrupted protein product. Loss-of-function variants in SYNE1 are known to be pathogenic (PMID: 19542096, 24319099, 27086870). This variant is not present in population databases (gnomAD no frequency). This variant has not been reported in the literature in individuals affected with SYNE1-related conditions. For these reasons, this variant has been classified as Pathogenic.

Laboratorio de Genetica e Diagnostico Molecular, Hospital Israelita Albert Einstein
Classification: Likely pathogenic. Last evaluated: 2021-08-17. Review status: criteria provided, single submitter. Criteria: ACMG Guidelines, 2015. Collection method: clinical testing. Allele origin: germline. Affected: yes.
Comment: ACMG classification criteria: PVS1, PM2

Eurofins Ntd Llc (ga)
Classification: Pathogenic. Last evaluated: 2016-02-02. Review status: criteria provided, single submitter. Criteria: EGL Classification Definitions 2015. Collection method: clinical testing. Allele origin: germline. Observed: 2 variant alleles, 2 heterozygotes.

Literature cited by the submitters: PubMed 19542096 (cited by Labcorp Genetics (formerly Invitae), Labcorp); PubMed 24319099 (cited by Labcorp Genetics (formerly Invitae), Labcorp); PubMed 27086870 (cited by Labcorp Genetics (formerly Invitae), Labcorp).

NM_182961.4(SYNE1):c.4372_4373del (p.Leu1458fs)

Gene: SYNE1 (spectrin repeat containing nuclear envelope protein 1; minus strand). Cytogenetic location: 6q25.2.
Variant type: Microsatellite.
Coding change: c.4372_4373del on transcript NM_182961.4 (MANE Select); coding-DNA positions 4372 to 4373, 2 bases deleted (CT; older notation c.4372_4373delCT).
Protein change: p.Leu1458fs; shifts the reading frame from leucine 1458.
Molecular consequence: frameshift variant.
Genome position (GRCh38, 1-based): chr6:152,433,883-152,433,884, AG deleted on the plus strand (CT on the coding strand, the reverse complement: SYNE1 is on the minus strand); deleting any 2 consecutive bases within chr6:152,433,883-152,433,886 gives the same sequence; the c. name uses the placement nearest the transcript's 3' end. VCF-style (leftmost placement, unchanged base first): chr6-152433882-CAG-C. GRCh37 (hg19) VCF-style: chr6-152755017-CAG-C.
Other names: c.4393_4394del, p.Leu1465fs (NM_033071.5); short protein forms L1458fs, L1465fs.
Identifiers: ClinVar variation 196929 (VCV000196929.14), dbSNP rs794727577, ClinGen allele CA275219.